The following is an entry in ClinVar:

ClinVar aggregate classification (germline): Likely pathogenic (1 of 4 stars; one submission).

Conditions:
Neurofibromatosis, type 1 (NF1). Also called: Peripheral type neurofibromatosis; VON RECKLINGHAUSEN DISEASE; NEUROFIBROMATOSIS, TYPE I, SOMATIC; Neurofibromatosis, type I. Identifiers: Orphanet 636, MedGen C0027831, MONDO:0018975, OMIM 162200. Disease mechanism: loss of function.

Submission:

Institute of Human Genetics, University of Leipzig Medical Center
Classification: Likely pathogenic for Neurofibromatosis, type 1. Last evaluated: 2022-10-13. Review status: criteria provided, single submitter. Criteria: ACMG Guidelines, 2015. Collection method: clinical testing. Allele origin: unknown. Affected: yes.
Comment: _x000D_ Criteria applied: PVS1, PM2_SUP

NM_001042492.3(NF1):c.764del (p.Gly255fs)

Gene: NF1 (neurofibromin 1; plus strand). Cytogenetic location: 17q11.2.
Variant type: Deletion.
Coding change: c.764del on transcript NM_001042492.3 (MANE Select); coding-DNA position 764, one base deleted (G; older notation c.764delG).
Protein change: p.Gly255fs; shifts the reading frame from glycine 255.
Molecular consequence: frameshift variant.
Genome position (GRCh38, 1-based): chr17:31,182,541, G deleted; the last of 2 consecutive G bases (chr17:31,182,540-31,182,541); deleting either gives the same sequence. VCF-style (leftmost placement, unchanged base first): chr17-31182539-TG-T. GRCh37 (hg19) VCF-style: chr17-29509557-TG-T.
Other names: c.764delG, p.Gly255Valfs (NM_000267.4); c.764del, p.Gly255fs (NM_001128147.3); short protein forms G255fs.
Identifiers: ClinVar variation 1712335 (VCV001712335.1), dbSNP rs2544753339, ClinGen allele CA2580093198.